The following is an entry in ClinVar:

ClinVar aggregate classification (germline): Pathogenic (1 of 4 stars; one submission).

Conditions:
Multiple acyl-CoA dehydrogenase deficiency (MADD). Also called: ETHYLMALONIC-ADIPICACIDURIA; GA II; Glutaric acidemia type II; GA 2; Glutaric Acidemia type 2; Glutaric aciduria, type 2. Identifiers: Orphanet 26791, MedGen C0268596, MONDO:0009282, OMIM 231680.

Submission:

Labcorp Genetics (formerly Invitae), Labcorp
Classification: Pathogenic for Multiple acyl-CoA dehydrogenase deficiency. Last evaluated: 2021-08-31. Review status: criteria provided, single submitter. Criteria: Invitae Variant Classification Sherloc (09022015). Collection method: clinical testing. Allele origin: germline.
Comment: This sequence change creates a premature translational stop signal (p.Ile96Phefs*28) in the ETFA gene. It is expected to result in an absent or disrupted protein product. Loss-of-function variants in ETFA are known to be pathogenic (PMID: 16510302, 23785301). This variant is not present in population databases (ExAC no frequency). This variant has not been reported in the literature in individuals affected with ETFA-related conditions. For these reasons, this variant has been classified as Pathogenic.

Literature cited by the submitters: PubMed 16510302; PubMed 23785301.

NM_000126.4(ETFA):c.285del (p.Ile96fs)

Gene: ETFA (electron transfer flavoprotein subunit alpha; minus strand). Cytogenetic location: 15q24.2.
Variant type: Deletion.
Coding change: c.285del on transcript NM_000126.4 (MANE Select); coding-DNA position 285, one base deleted (G; older notation c.285delG).
Protein change: p.Ile96fs; shifts the reading frame from isoleucine 96.
Molecular consequence: frameshift variant.
Genome position (GRCh38, 1-based): chr15:76,292,497, C deleted on the plus strand (G on the coding strand, the reverse complement: ETFA is on the minus strand). VCF-style (leftmost placement, unchanged base first): chr15-76292496-TC-T. GRCh37 (hg19) VCF-style: chr15-76584837-TC-T.
Other names: c.138del, p.Ile47fs (NM_001127716.2); short protein forms I47fs, I96fs.
Identifiers: ClinVar variation 1443409 (VCV001443409.6), dbSNP rs2039775781, ClinGen allele CA2188526256.